The following is an entry in ClinVar:

ClinVar aggregate classification (germline): Uncertain significance (0 of 4 stars; one submission).

Conditions:
SIM1-related disorder. Also called: SIM1-related condition; SIM1-related disorders.

Submission:

PreventionGenetics, part of Exact Sciences
Classification: Uncertain significance for SIM1-related condition. Last evaluated: 2024-06-11. Review status: no assertion criteria provided. Collection method: clinical testing. Allele origin: germline.
Comment: The SIM1 c.518_520dupCCG variant is predicted to result in an in-frame duplication (p.Ala173dup). To our knowledge, this variant has not been reported in the literature or in a large population database, indicating this variant is rare. At this time, the clinical significance of this variant is uncertain due to the absence of conclusive functional and genetic evidence.

NM_005068.3(SIM1):c.518_520dup (p.Ala173_Gly174insAla)

Gene: SIM1 (SIM bHLH transcription factor 1; minus strand). Cytogenetic location: 6q16.3.
Variant type: Duplication.
Coding change: c.518_520dup on transcript NM_005068.3 (MANE Select); coding-DNA positions 518 to 520, 3 bases duplicated (CCG; older notation c.518_520dupCCG).
Protein change: p.Ala173_Gly174insAla.
Molecular consequence: inframe insertion.
Genome position (GRCh38, 1-based): chr6:100,449,386-100,449,388, CGG duplicated on the plus strand (CCG on the coding strand, the reverse complement: SIM1 is on the minus strand); duplicating any 3 consecutive bases within chr6:100,449,386-100,449,390 gives the same sequence; the c. name uses the placement nearest the transcript's 3' end. VCF-style (leftmost placement, unchanged base first): chr6-100449385-C-CCGG. GRCh37 (hg19) VCF-style: chr6-100897261-C-CCGG.
Other names: c.518_520dup, p.Ala173_Gly174insAla (NM_001374769.1).
Identifiers: ClinVar variation 3346568 (VCV003346568.1).
Genomic context (GRCh38, chr6:100,449,385, plus strand): 5'-CTCTGACTCCACCCGGAGCGGATCTTCCAGCTACGCACCTTGTAGCCGCCACAGGTGAGG[C>CCGG]CGGCGTTACGCTTGGCCAAGACGCACTTCATCCTCAGGAAGAAGGAGCGCTCGATCTCAT-3'